The following is an entry in ClinVar:

NM_000369.5(TSHR):c.1323C>G (p.Thr441=)

Genes: TSHR (thyroid stimulating hormone receptor; plus strand), TSHR-AS1 (TSHR antisense RNA 1; minus strand). Cytogenetic location: 14q31.1.
Variant type: single nucleotide variant.
Coding change: c.1323C>G on transcript NM_000369.5 (MANE Select); coding-DNA position 1323, C replaced by G.
Protein change: p.Thr441=; no amino-acid change (threonine 441 retained).
Molecular consequence: synonymous variant.
Genome position (GRCh38, 1-based): chr14:81,143,381, C>G. VCF-style: chr14-81143381-C-G. GRCh37 (hg19) VCF-style: chr14-81609725-C-G.
Identifiers: ClinVar variation 2997987 (VCV002997987.4), dbSNP rs756244662, ClinGen allele CA7294437.
Genomic context (GRCh38, chr14:81,143,381, plus strand): 5'-GTGGTTCGTTAGTCTGCTGGCTCTCCTGGGCAATGTCTTTGTCCTGCTTATTCTCCTCAC[C>G]AGCCACTACAAACTGAACGTCCCCCGCTTTCTCATGTGCAACCTGGCCTTTGCGGATTTC-3'
Protein context (NP_000360.2, residues 431-451): GNVFVLLILL[Thr441=]SHYKLNVPRF

ClinVar aggregate classification (germline): Likely benign. Review status: criteria provided, multiple submitters, no conflicts (2 of 4 stars). 2 submissions from 2 submitters: Likely benign (2). Last evaluated 2026-09-01.

Allele frequency attached by ClinVar (database versions not stated): ExAC 0.00001; gnomAD 0.00001; gnomAD exomes 0.00001.
gnomAD v4.1: 7 of 1,614,066 alleles (0.00043%); highest among the groups gnomAD compares: Admixed American, 0.012%; no homozygotes.

Submissions (2):

CeGaT Center for Human Genetics Tuebingen
Classification: Likely benign. Last evaluated: 2026-09-01. Review status: criteria provided, single submitter. Criteria: CeGaT Center For Human Genetics Tuebingen Variant Classification Criteria Version 2. Collection method: clinical testing. Allele origin: germline. Affected: yes. Observed: 1 variant allele.
Comment: TSHR: BP4, BP7

Labcorp Genetics (formerly Invitae), Labcorp
Classification: Likely benign. Last evaluated: 2024-02-09. Review status: criteria provided, single submitter. Criteria: Invitae Variant Classification Sherloc (09022015). Collection method: clinical testing. Allele origin: germline.